The following is an entry in ClinVar:

NM_001330260.2(SCN8A):c.2417C>T (p.Ala806Val)

Gene: SCN8A (sodium voltage-gated channel alpha subunit 8; plus strand). Cytogenetic location: 12q13.13.
Variant type: single nucleotide variant.
Coding change: c.2417C>T on transcript NM_001330260.2 (MANE Select); coding-DNA position 2417, C replaced by T.
Protein change: p.Ala806Val; replaces alanine 806 with valine.
Molecular consequence: missense variant.
Genome position (GRCh38, 1-based): chr12:51,762,549, C>T. VCF-style: chr12-51762549-C-T. GRCh37 (hg19) VCF-style: chr12-52156333-C-T.
Other names: c.2417C>T, p.Ala806Val (NM_001177984.3, NM_001369788.1, NM_014191.4); short protein forms A806V.
Identifiers: ClinVar variation 2816035 (VCV002816035.3), dbSNP rs2540253912, ClinGen allele CA384883410.

ClinVar aggregate classification (germline): Uncertain significance (1 of 4 stars; one submission).

Conditions:
Early-infantile DEE. Also called: Early infantile epileptic encephalopathy; Early infantile epileptic encephalopathy with suppression bursts; Ohtahara syndrome. Identifiers: Orphanet 1934, MedGen C0393706, MONDO:0800491.

Submission:

Labcorp Genetics (formerly Invitae), Labcorp
Classification: Uncertain significance for Early-infantile DEE. Last evaluated: 2022-11-23. Review status: criteria provided, single submitter. Criteria: Invitae Variant Classification Sherloc (09022015). Collection method: clinical testing. Allele origin: germline.
Comment: In summary, the available evidence is currently insufficient to determine the role of this variant in disease. Therefore, it has been classified as a Variant of Uncertain Significance. Advanced modeling of protein sequence and biophysical properties (such as structural, functional, and spatial information, amino acid conservation, physicochemical variation, residue mobility, and thermodynamic stability) performed at Invitae indicates that this missense variant is expected to disrupt SCN8A protein function. This sequence change replaces alanine, which is neutral and non-polar, with valine, which is neutral and non-polar, at codon 806 of the SCN8A protein (p.Ala806Val). This variant is not present in population databases (gnomAD no frequency). This variant has not been reported in the literature in individuals affected with SCN8A-related conditions.